The following is an entry in ClinVar:

NM_001267550.2(TTN):c.49363A>G (p.Thr16455Ala)

Genes: TTN (titin; minus strand), TTN-AS1 (TTN antisense RNA 1; plus strand). Cytogenetic location: 2q31.2.
Variant type: single nucleotide variant.
Coding change: c.49363A>G on transcript NM_001267550.2 (MANE Select); coding-DNA position 49363, A replaced by G.
Protein change: p.Thr16455Ala; replaces threonine 16455 with alanine.
Molecular consequence: missense variant.
Genome position (GRCh38, 1-based): chr2:178,613,920, T>C on the plus strand (A>G on the coding strand, the complement: TTN is on the minus strand). VCF-style: chr2-178613920-T-C. GRCh37 (hg19) VCF-style: chr2-179478647-T-C.
Other names: p.T14814A:ACT>GCT; NC_000002.11:g.179478647T>C; c.44440A>G, p.Thr14814Ala (NM_001256850.1); c.22168A>G, p.Thr7390Ala (NM_003319.4); c.41659A>G, p.Thr13887Ala (NM_133378.4); c.22543A>G, p.Thr7515Ala (NM_133432.3); c.22744A>G, p.Thr7582Ala (NM_133437.4); c.49363A>G (NM_001267550.1); short protein forms T14814A, T16455A, T13887A, T7390A, T7582A, T7515A.
Identifiers: ClinVar variation 202676 (VCV000202676.15), dbSNP rs374543277, ClinGen allele CA309950.

ClinVar aggregate classification (germline): Uncertain significance. Review status: criteria provided, multiple submitters, no conflicts (2 of 4 stars). 8 submissions from 8 submitters: Uncertain significance (7). 1 of the submissions does not count toward it. Last evaluated 2026-04-02.

Conditions:
TTN-related disorder. Also called: TTN-related condition; TTN-related disease; TTN-related disorders.
Cardiovascular phenotype. Identifiers: MedGen CN230736.
Dilated cardiomyopathy 1G (CMD1G). Identifiers: Orphanet 154, MedGen C1858763, MONDO:0011400, OMIM 604145.
Autosomal recessive limb-girdle muscular dystrophy type 2J (LGMDR10). Also called: Limb-girdle muscular dystrophy, type 2J; MUSCULAR DYSTROPHY, LIMB-GIRDLE, AUTOSOMAL RECESSIVE 10. Identifiers: Orphanet 140922, MedGen C1837342, MONDO:0012127, OMIM 608807.
Early-onset myopathy with fatal cardiomyopathy (CMYO5). Also called: Salih Myopathy; CONGENITAL MYOPATHY 5 WITH CARDIOMYOPATHY. Identifiers: Orphanet 289377, MedGen C2673677, MONDO:0012714, OMIM 611705. Disease mechanism: loss of function.
Tibial muscular dystrophy (TMD). Also called: Tibial muscular dystrophy, tardive; Udd Distal Myopathy – Tibial Muscular Dystrophy; UDD MYOPATHY. Identifiers: Orphanet 609, MedGen C1838244, MONDO:0010870, OMIM 600334.
Myopathy, myofibrillar, 9, with early respiratory failure (MFM9). Also called: Myopathy, distal, with early respiratory failure, autosomal dominant; MYOPATHY, PROXIMAL, WITH EARLY RESPIRATORY MUSCLE INVOLVEMENT; Hereditary myopathy with early respiratory failure; EDSTROM MYOPATHY. Identifiers: Orphanet 178464, Orphanet 34521, MedGen C1863599, MONDO:0011362, OMIM 603689.
Hypertrophic cardiomyopathy 9. Also called: Familial hypertrophic cardiomyopathy 9. Identifiers: MedGen C1861065, MONDO:0013412, OMIM 613765.

Allele frequency attached by ClinVar (database versions not stated): ExAC 0.00004; gnomAD exomes 0.00005 and 0.00012; TOPMed 0.00008; gnomAD 0.00009; ESP Exome Variant Server 0.00016.
gnomAD v4.1: 178 of 1,607,888 alleles (0.011%); highest among the groups gnomAD compares: Non-Finnish European, 0.015%; no homozygotes.

Submissions (9):

PreventionGenetics, part of Exact Sciences
Classification: Uncertain significance for TTN-related condition. Last evaluated: 2026-04-02. Review status: criteria provided, single submitter. Criteria: ACMG Guidelines, 2015. Collection method: clinical testing. Allele origin: germline.
Comment: The TTN c.49363A>G variant is predicted to result in the amino acid substitution p.Thr16455Ala. To our knowledge, this variant has not been reported in the literature. This variant is reported in 0.0095% of alleles in individuals of European (Non-Finnish) descent in gnomAD. Although we suspect that this variant may be benign, at this time, the clinical significance of this variant is uncertain due to the absence of conclusive functional and genetic evidence.

Athena Diagnostics
Classification: Uncertain significance. Last evaluated: 2022-07-18. Review status: criteria provided, single submitter. Criteria: Athena Diagnostics Criteria. Collection method: clinical testing. Allele origin: unknown.

Revvity Omics, Revvity
Classification: Uncertain significance. Last evaluated: 2022-03-15. Review status: criteria provided, single submitter. Criteria: ACMG Guidelines, 2015. Collection method: clinical testing. Allele origin: germline.

Fulgent Genetics
Classification: Uncertain significance for Tibial muscular dystrophy; Myopathy, myofibrillar, 9, with early respiratory failure; Dilated cardiomyopathy 1G; Autosomal recessive limb-girdle muscular dystrophy type 2J; Early-onset myopathy with fatal cardiomyopathy; Hypertrophic cardiomyopathy 9. Last evaluated: 2021-10-26. Review status: criteria provided, single submitter. Criteria: ACMG Guidelines, 2015. Collection method: clinical testing. Allele origin: unknown.

Eurofins Ntd Llc (ga)
Classification: Uncertain significance. Last evaluated: 2017-01-26. Review status: criteria provided, single submitter. Criteria: EGL Classification Definitions 2015. Collection method: clinical testing. Allele origin: germline. Observed: 5 variant alleles, 5 heterozygotes.

Labcorp Genetics (formerly Invitae), Labcorp
Classification: Uncertain significance for Dilated cardiomyopathy 1G; Autosomal recessive limb-girdle muscular dystrophy type 2J. Last evaluated: 2016-07-11. Review status: criteria provided, single submitter. Criteria: Invitae Variant Classification Sherloc (09022015). Collection method: clinical testing. Allele origin: germline.

Ambry Genetics
Classification: Uncertain significance for Cardiovascular phenotype. Last evaluated: 2013-11-18. Review status: criteria provided, single submitter. Criteria: Ambry Autosomal Dominant and X-Linked criteria (10/2015). Collection method: clinical testing. Allele origin: germline. Observed: 1 variant allele.
Comment: The p.T13887A variant (also known as c.41659A>G) is located in coding exon 211 of the TTNgene. This alteration results from an A to G substitution at nucleotide position 41659. The threonine at codon 13887 is replaced by alanine, an amino acid with some similar properties.Based on data from the NHLBI Exome Sequencing Project (ESP), the G-allele has an overall frequency of approximately0.02% (2/12184), having been observed in0.02% (2/8304)of European American alleles, and not observed in 3880 African American alleles studied.This variant was not reported in population-based cohorts in the Database of Single Nucleotide Polymorphisms (dbSNP) or the 1000 Genomes Project. Based on protein sequence alignment, this amino acid position isconserved through amphibians, but is not conserved in lower vertebrate species.In addition, this alteration is predicted to be possibly damaging by PolyPhen in silico analysis.Since supporting evidence is limited at this time, the clinical significance of this variant remains unclear.

GeneDx
No classification provided. Last evaluated: 2013-10-03. Review status: no classification provided. Criteria: GeneDx Variant Classification (06012015). Collection method: clinical testing. Allele origin: germline. Affected: yes. Not counted in ClinVar's aggregate classification.
Comment: Missense variants in the TTN gene are considered 'unclassified' if they are not previously reported in the literature and do not have >1% frequency in the population to be considered a polymorphism. Research indicates that truncating mutations in the TTN gene are expected to account for approximately 25% of familial and 18% of sporadic idiopathic DCM; however, truncating variants in the TTN gene have been reported in approximately 3% of reported control alleles. There has been little investigation into non-truncating variants. (Herman D et al. Truncations of titin causing dilated cardiomyopathy. N Eng J Med 366:619-628, 2012) The variant is found in DCM panel(s).

Dr. Peter K. Rogan Lab, Western University
No classification provided (evidence only). Condition: Clear cell carcinoma of kidney. Review status: no classification provided. Collection method: in vitro. Allele origin: not applicable. Functional consequence: retained intron. Not counted in ClinVar's aggregate classification.